The following is an entry in ClinVar:

ClinVar aggregate classification (germline): Uncertain significance (1 of 4 stars; one submission).

gnomAD v4.1: 1 of 1,320,622 alleles (0.000076%); highest among the groups gnomAD compares: Non-Finnish European, 0.000096%; no homozygotes.

Submission:

GeneDx
Classification: Uncertain significance. Last evaluated: 2025-07-24. Review status: criteria provided, single submitter. Criteria: GeneDx Variant Classification Process June 2021. Collection method: clinical testing. Allele origin: germline. Affected: yes.
Comment: Not observed at significant frequency in large population cohorts (gnomAD); In silico analysis suggests that this missense variant does not alter protein structure/function; Has not been previously published as pathogenic or benign to our knowledge

NM_203486.3(DLL3):c.1264G>T (p.Gly422Cys)

Genes: DLL3 (delta like canonical Notch ligand 3; plus strand), LOC130064418 (ATAC-STARR-seq lymphoblastoid silent region 10609; plus strand). Cytogenetic location: 19q13.2.
Variant type: single nucleotide variant.
Coding change: c.1264G>T on transcript NM_203486.3 (MANE Select); coding-DNA position 1264, G replaced by T.
Protein change: p.Gly422Cys; replaces glycine 422 with cysteine.
Molecular consequence: missense variant.
Genome position (GRCh38, 1-based): chr19:39,507,209, G>T. VCF-style: chr19-39507209-G-T. GRCh37 (hg19) VCF-style: chr19-39997849-G-T.
Other names: c.1264G>T, p.Gly422Cys (NM_016941.4); short protein forms G422C.
Identifiers: ClinVar variation 4686925 (VCV004686925.1).